The following is an entry in ClinVar:

ClinVar aggregate classification (germline): Likely benign. Review status: criteria provided, multiple submitters, no conflicts (2 of 4 stars). 2 submissions from 2 submitters: Likely benign (2). Last evaluated 2024-12-12.

Submissions (2):

Mayo Clinic Laboratories, Mayo Clinic
Classification: Likely benign. Last evaluated: 2024-12-12. Review status: criteria provided, single submitter. Criteria: ACMG Guidelines, 2015. Collection method: clinical testing. Allele origin: germline. Observed: 1 variant allele.
Comment: BP4, BP7, PM2_supporting

Labcorp Genetics (formerly Invitae), Labcorp
Classification: Likely benign. Last evaluated: 2023-09-15. Review status: criteria provided, single submitter. Criteria: Invitae Variant Classification Sherloc (09022015). Collection method: clinical testing. Allele origin: germline.

NM_003630.3(PEX3):c.942-15G>A

Gene: PEX3 (peroxisomal biogenesis factor 3; plus strand). Cytogenetic location: 6q24.2.
Variant type: single nucleotide variant.
Coding change: c.942-15G>A on transcript NM_003630.3 (MANE Select); 15 bases into the intron before coding-DNA position 942, G replaced by A.
Molecular consequence: intron variant.
Genome position (GRCh38, 1-based): chr6:143,485,137, G>A. VCF-style: chr6-143485137-G-A. GRCh37 (hg19) VCF-style: chr6-143806274-G-A.
Other names: p.?.
Identifiers: ClinVar variation 2874455 (VCV002874455.4), dbSNP rs2482459298, ClinGen allele CA452462521.